The following is an entry in ClinVar:

NM_000287.4(PEX6):c.896G>A (p.Gly299Asp)

Gene: PEX6 (peroxisomal biogenesis factor 6; minus strand). Cytogenetic location: 6p21.1.
Variant type: single nucleotide variant.
Coding change: c.896G>A on transcript NM_000287.4 (MANE Select); coding-DNA position 896, G replaced by A.
Protein change: p.Gly299Asp; replaces glycine 299 with aspartic acid.
Molecular consequence: missense variant. On other transcripts: non-coding transcript variant (1).
Genome position (GRCh38, 1-based): chr6:42,975,025, C>T on the plus strand (G>A on the coding strand, the complement: PEX6 is on the minus strand). VCF-style: chr6-42975025-C-T. GRCh37 (hg19) VCF-style: chr6-42942763-C-T.
Other names: c.632G>A, p.Gly211Asp (NM_001316313.2); short protein forms G211D, G299D.
Identifiers: ClinVar variation 1522503 (VCV001522503.6), dbSNP rs548459114, ClinGen allele CA3811516.

ClinVar aggregate classification (germline): Uncertain significance. Review status: criteria provided, multiple submitters, no conflicts (2 of 4 stars). 2 submissions from 2 submitters: Uncertain significance (2). Last evaluated 2022-02-16.

Conditions:
Peroxisome biogenesis disorder. Identifiers: Orphanet 79189, MedGen C1832200, MONDO:0019234. Disease mechanism: loss of function.

Allele frequency attached by ClinVar (database versions not stated): 1000 Genomes Project 0.00020; 1000 Genomes Project 30x 0.00031.

Submissions (2):

Blueprint Genetics
Classification: Uncertain significance. Last evaluated: 2022-02-16. Review status: criteria provided, single submitter. Criteria: ACMG Guidelines, 2015. Collection method: clinical testing. Allele origin: germline.

Labcorp Genetics (formerly Invitae), Labcorp
Classification: Uncertain significance for Peroxisome biogenesis disorder. Last evaluated: 2021-08-26. Review status: criteria provided, single submitter. Criteria: Invitae Variant Classification Sherloc (09022015). Collection method: clinical testing. Allele origin: germline.
Comment: This sequence change replaces glycine with aspartic acid at codon 299 of the PEX6 protein (p.Gly299Asp). The glycine residue is weakly conserved and there is a moderate physicochemical difference between glycine and aspartic acid. This variant is present in population databases (rs548459114, ExAC 0.003%). This variant has not been reported in the literature in individuals affected with PEX6-related conditions. Algorithms developed to predict the effect of missense changes on protein structure and function output the following: SIFT: "Tolerated"; PolyPhen-2: "Benign"; Align-GVGD: "Class C0". The aspartic acid amino acid residue is found in multiple mammalian species, which suggests that this missense change does not adversely affect protein function. In summary, the available evidence is currently insufficient to determine the role of this variant in disease. Therefore, it has been classified as a Variant of Uncertain Significance.